The following is an entry in ClinVar:

NM_001267550.2(TTN):c.62780G>A (p.Arg20927His)

Genes: TTN (titin; minus strand), TTN-AS1 (TTN antisense RNA 1; plus strand). Cytogenetic location: 2q31.2.
Variant type: single nucleotide variant.
Coding change: c.62780G>A on transcript NM_001267550.2 (MANE Select); coding-DNA position 62780, G replaced by A.
Protein change: p.Arg20927His; replaces arginine 20927 with histidine.
Molecular consequence: missense variant.
Genome position (GRCh38, 1-based): chr2:178,588,945, C>T on the plus strand (G>A on the coding strand, the complement: TTN is on the minus strand). VCF-style: chr2-178588945-C-T. GRCh37 (hg19) VCF-style: chr2-179453672-C-T.
Other names: c.57857G>A, p.Arg19286His (NM_001256850.1); c.55076G>A, p.Arg18359His (NM_133378.4); c.35585G>A, p.Arg11862His (NM_003319.4); c.35960G>A, p.Arg11987His (NM_133432.3); c.36161G>A, p.Arg12054His (NM_133437.4); short protein forms R20927H, R18359H, R19286H, R11862H, R11987H, R12054H.
Identifiers: ClinVar variation 47186 (VCV000047186.13), dbSNP rs397517652, ClinGen allele CA140260.
Genomic context (GRCh38, chr2:178,588,945, plus strand): 5'-CCTGTGCCTATTTTATTTTCTGCACGGACTCTGAAAATATATTCATTTCCTTCTATGAGA[C>T]GTGTTACTGTAGTACCAGGTGTCAAGACAGTAGCAGAATAGGTAGACCAAACCATTCGCT-3'
Protein context (NP_001254479.2, residues 20917-20937): TVLTPGTTVT[Arg20927His]LIEGNEYIFR

ClinVar aggregate classification (germline): Uncertain significance. Review status: criteria provided, multiple submitters, no conflicts (2 of 4 stars). 6 submissions from 6 submitters: Uncertain significance (6). Last evaluated 2021-09-14.

Conditions:
Cardiovascular phenotype. Identifiers: MedGen CN230736.
Hypertrophic cardiomyopathy 9. Also called: Familial hypertrophic cardiomyopathy 9. Identifiers: MedGen C1861065, MONDO:0013412, OMIM 613765.
Tibial muscular dystrophy (TMD). Also called: Tibial muscular dystrophy, tardive; UDD MYOPATHY; Udd Distal Myopathy – Tibial Muscular Dystrophy. Identifiers: Orphanet 609, MedGen C1838244, MONDO:0010870, OMIM 600334.
Myopathy, myofibrillar, 9, with early respiratory failure (MFM9). Also called: MYOPATHY, PROXIMAL, WITH EARLY RESPIRATORY MUSCLE INVOLVEMENT; Myopathy, distal, with early respiratory failure, autosomal dominant; Hereditary myopathy with early respiratory failure; EDSTROM MYOPATHY. Identifiers: Orphanet 178464, Orphanet 34521, MedGen C1863599, MONDO:0011362, OMIM 603689.
Early-onset myopathy with fatal cardiomyopathy (CMYO5). Also called: CONGENITAL MYOPATHY 5 WITH CARDIOMYOPATHY; Salih Myopathy. Identifiers: Orphanet 289377, MedGen C2673677, MONDO:0012714, OMIM 611705. Disease mechanism: loss of function.
Dilated cardiomyopathy 1G (CMD1G). Identifiers: Orphanet 154, MedGen C1858763, MONDO:0011400, OMIM 604145.
Autosomal recessive limb-girdle muscular dystrophy type 2J (LGMDR10). Also called: Limb-girdle muscular dystrophy, type 2J; MUSCULAR DYSTROPHY, LIMB-GIRDLE, AUTOSOMAL RECESSIVE 10. Identifiers: Orphanet 140922, MedGen C1837342, MONDO:0012127, OMIM 608807.

Allele frequency attached by ClinVar (database versions not stated): ExAC 0.00001; gnomAD exomes 0.00001; gnomAD 0.00004; TOPMed 0.00005; 1000 Genomes Project 30x 0.00016; 1000 Genomes Project 0.00020.
gnomAD v4.1: 26 of 1,612,660 alleles (0.0016%); highest among the groups gnomAD compares: African/African-American, 0.008%; no homozygotes.

Submissions (6):

Fulgent Genetics
Classification: Uncertain significance for Tibial muscular dystrophy; Myopathy, myofibrillar, 9, with early respiratory failure; Dilated cardiomyopathy 1G; Autosomal recessive limb-girdle muscular dystrophy type 2J; Early-onset myopathy with fatal cardiomyopathy; Hypertrophic cardiomyopathy 9. Last evaluated: 2021-09-14. Review status: criteria provided, single submitter. Criteria: ACMG Guidelines, 2015. Collection method: clinical testing. Allele origin: unknown.

Revvity Omics, Revvity
Classification: Uncertain significance. Last evaluated: 2019-06-27. Review status: criteria provided, single submitter. Criteria: ACMG Guidelines, 2015. Collection method: clinical testing. Allele origin: germline.

Ambry Genetics
Classification: Uncertain significance for Cardiovascular phenotype. Last evaluated: 2018-07-09. Review status: criteria provided, single submitter. Criteria: Ambry Variant Classification Scheme 2023. Collection method: clinical testing. Allele origin: germline.
Comment: The p.R11862H variant (also known as c.35585G>A), located in coding exon 131 of the TTN gene, results from a G to A substitution at nucleotide position 35585. The arginine at codon 11862 is replaced by histidine, an amino acid with highly similar properties. This alteration was reported as NM_133378.4:c.55076G>A p.R18359H in an individual with dilated cardiomyopathy (DCM); however, clinical details were limited (Pugh TJ et al. Genet. Med., 2014 Aug;16:601-8). This amino acid position is highly conserved in available vertebrate species. In addition, this alteration is predicted to be tolerated by in silico analysis. Since supporting evidence is limited at this time, the clinical significance of this alteration remains unclear.

GeneDx
Classification: Uncertain significance. Last evaluated: 2017-09-28. Review status: criteria provided, single submitter. Criteria: GeneDx Variant Classification (06012015). Collection method: clinical testing. Allele origin: germline. Affected: yes.
Comment: A variant of uncertain significance has been identified in the TTN gene. The R19286H variant (reported as R18359H due to the use of alternate nomenclature) has been reported as a variant of uncertain significance in one patient with DCM (Pugh et al., 2014); however, additional clinical and segregation information were not provided. The R19286H variant is a conservative amino acid substitution, which is not likely to impact secondary protein structure as these residues share similar properties. Additionally, this is a missense variant in a gene in which most reported pathogenic variants associated with cardiomyopathy are truncating/loss-of-function (Stenson et al., 2014). Nevertheless, the R19286H variant is not observed at a significant frequency in large population cohorts (Lek et al., 2016). Finally, this substitution occurs at a position that is conserved in mammals, and in silico analysis predicts this variant is probably damaging to the protein structure/function.

Laboratory for Molecular Medicine, Mass General Brigham Personalized Medicine
Classification: Uncertain significance. Last evaluated: 2012-04-04. Review status: criteria provided, single submitter. Criteria: LMM Criteria. Collection method: clinical testing. Allele origin: germline. Observed: 2 variant alleles.
Comment: Com putational analyses (biochemical amino acid properties, conservation, AlignGVGD and PolyPhen2) do not provide strong support for or against an impact to the pro tein. Additional information is needed to fully assess the clinical significance of the Arg18358His variant.

Breakthrough Genomics
Classification: Uncertain significance. Review status: criteria provided, single submitter. Criteria: ACMG Guidelines, 2015. Collection method: not provided. Allele origin: germline. Inheritance: Autosomal recessive inheritance. Affected: yes.

Literature cited by the submitters: PubMed 24503780 (cited by Ambry Genetics).